The following is an entry in ClinVar:

NM_138927.4(SON):c.1414_1423delinsTTGCGTCTGTGG (p.Pro472fs)

Gene: SON (SON DNA and RNA binding protein; plus strand). Cytogenetic location: 21q22.11.
Variant type: Indel.
Coding change: c.1414_1423delinsTTGCGTCTGTGG on transcript NM_138927.4 (MANE Select); coding-DNA positions 1414 to 1423, CCACCTGTGA replaced by TTGCGTCTGTGG.
Protein change: p.Pro472fs; shifts the reading frame from proline 472.
Molecular consequence: frameshift variant. On other transcripts: non-coding transcript variant (1), intron variant (1).
Genome position (GRCh38, 1-based): chr21:33,550,645-33,550,654, CCACCTGTGA replaced by TTGCGTCTGTGG. VCF-style: chr21-33550645-CCACCTGTGA-TTGCGTCTGTGG. GRCh37 (hg19) VCF-style: chr21-34922951-CCACCTGTGA-TTGCGTCTGTGG.
Other names: c.1414_1423delinsTTGCGTCTGTGG, p.Pro472fs (NM_001291411.2, NM_032195.3); c.244+4266_244+4275delinsTTGCGTCTGTGG (NM_001291412.3); c.1414_1423delCCACCTGTGAinsTTGCGTCTGTGG (NM_032195.2); short protein forms P472fs.
Identifiers: ClinVar variation 524167 (VCV000524167.2), dbSNP rs1555898264, ClinGen allele CA658799417.

ClinVar aggregate classification (germline): Pathogenic (1 of 4 stars; one submission).

Submission:

GeneDx
Classification: Pathogenic. Last evaluated: 2018-05-04. Review status: criteria provided, single submitter. Criteria: GeneDx Variant Classification (06012015). Collection method: clinical testing. Allele origin: germline. Affected: yes.
Comment: The c.1414_1423del10ins12 variant in the SON gene has not been reported previously as a pathogenic variant nor as a benign variant, to our knowledge. The c.1414_1423del10ins12 variant causes a frameshift starting with codon Proline 472, changes this amino acid to a Leucine residue, and creates a premature Stop codon at position 15 of the new reading frame, denoted p.Pro472LeufsX15. This variant is predicted to cause loss of normal protein function either through protein truncation or nonsense-mediated mRNA decay. The c.1414_1423del10ins12 variant is not observed in large population cohorts (Lek et al., 2016). We interpret c.1414_1423del10ins12 as a pathogenic variant.